The following is an entry in ClinVar:

NM_000264.5(PTCH1):c.3205G>A (p.Gly1069Ser)

Gene: PTCH1 (patched 1; minus strand). Cytogenetic location: 9q22.32.
Variant type: single nucleotide variant.
Coding change: c.3205G>A on transcript NM_000264.5 (MANE Select); coding-DNA position 3205, G replaced by A.
Protein change: p.Gly1069Ser; replaces glycine 1069 with serine.
Molecular consequence: missense variant. On other transcripts: non-coding transcript variant (1).
Genome position (GRCh38, 1-based): chr9:95,456,377, C>T on the plus strand (G>A on the coding strand, the complement: PTCH1 is on the minus strand). VCF-style: chr9-95456377-C-T. GRCh37 (hg19) VCF-style: chr9-98218659-C-T.
Other names: c.3007G>A, p.Gly1003Ser (NM_001083602.3); c.3202G>A, p.Gly1068Ser (NM_001083603.3); c.2752G>A, p.Gly918Ser (NM_001083604.3, NM_001083605.3, NM_001083606.3 and 1 more transcripts); c.3049G>A, p.Gly1017Ser (NM_001354918.2); c.3205G>A (NM_000264.3); short protein forms G1003S, G1069S, G1017S, G1068S, G918S.
Identifiers: ClinVar variation 1514070 (VCV001514070.10), dbSNP rs2136649648, ClinGen allele CA374112159.

ClinVar aggregate classification (germline): Conflicting classifications of pathogenicity. Review status: criteria provided, conflicting classifications (1 of 4 stars). 3 submissions from 3 submitters: Likely pathogenic (1); Uncertain significance (2). Last evaluated 2026-04-03.

Conditions:
Hereditary cancer-predisposing syndrome. Also called: Neoplastic Syndromes, Hereditary; Tumor predisposition; Hereditary neoplastic syndrome; Hereditary Cancer Syndrome. Identifiers: Orphanet 140162, MedGen C0027672, MeSH D009386, MONDO:0015356.
Gorlin syndrome. Also called: Nevoid Basal Cell Carcinoma Syndrome; Basal cell nevus syndrome. Identifiers: Orphanet 377, MedGen C0004779, MONDO:0007187.
PTCH1-related disorder. Also called: PTCH1-related disorders; PTCH1-related condition.

Allele frequency attached by ClinVar (database versions not stated): gnomAD exomes below 0.00001.
gnomAD v4.1: 1 of 1,614,032 alleles (0.000062%); highest among the groups gnomAD compares: Non-Finnish European, 0.000085%; no homozygotes.

Submissions (3):

PreventionGenetics, part of Exact Sciences
Classification: Likely pathogenic for PTCH1-related condition. Last evaluated: 2026-04-03. Review status: criteria provided, single submitter. Criteria: ACMG Guidelines, 2015. Collection method: clinical testing. Allele origin: germline.
Comment: The PTCH1 c.3205G>A variant is predicted to result in the amino acid substitution p.Gly1069Ser. To our knowledge, this variant has not been reported in the literature or in a large population database (gnomAD), indicating this variant is rare. An alternative missense substitution at the same amino acid position (c.3205G>C, p.Gly1069Arg) has been reported in an individual with nevoid basal cell carcinoma syndrome (NBCCS) (Wicking et al. 1997. PubMed ID: 8981943). This variant is classified as likely pathogenic.

Labcorp Genetics (formerly Invitae), Labcorp
Classification: Uncertain significance for Gorlin syndrome. Last evaluated: 2025-04-21. Review status: criteria provided, single submitter. Criteria: Invitae Variant Classification Sherloc (09022015). Collection method: clinical testing. Allele origin: germline.
Comment: This sequence change replaces glycine, which is neutral and non-polar, with serine, which is neutral and polar, at codon 1069 of the PTCH1 protein (p.Gly1069Ser). This variant is not present in population databases (gnomAD no frequency). This variant has not been reported in the literature in individuals affected with PTCH1-related conditions. ClinVar contains an entry for this variant (Variation ID: 1514070). Invitae Evidence Modeling of protein sequence and biophysical properties (such as structural, functional, and spatial information, amino acid conservation, physicochemical variation, residue mobility, and thermodynamic stability) indicates that this missense variant is expected to disrupt PTCH1 protein function with a positive predictive value of 80%. This variant disrupts the p.Gly1069 amino acid residue in PTCH1. Other variant(s) that disrupt this residue have been observed in individuals with PTCH1-related conditions (PMID: 17328283; internal data), which suggests that this may be a clinically significant amino acid residue. In summary, the available evidence is currently insufficient to determine the role of this variant in disease. Therefore, it has been classified as a Variant of Uncertain Significance.

Ambry Genetics
Classification: Uncertain significance for Hereditary cancer-predisposing syndrome. Last evaluated: 2025-04-05. Review status: criteria provided, single submitter. Criteria: Ambry Variant Classification Scheme 2023. Collection method: clinical testing. Allele origin: germline.
Comment: The p.G1069S variant (also known as c.3205G>A), located in coding exon 19 of the PTCH1 gene, results from a G to A substitution at nucleotide position 3205. The glycine at codon 1069 is replaced by serine, an amino acid with similar properties. This amino acid position is conserved. In addition, this alteration is predicted to be deleterious by in silico analysis. Based on the available evidence, the clinical significance of this variant remains unclear.

Literature cited by the submitters: PubMed 17328283 (cited by Labcorp Genetics (formerly Invitae), Labcorp).